The following is an entry in ClinVar:

ClinVar aggregate classification (germline): Uncertain significance (1 of 4 stars; one submission).

Conditions:
Episodic ataxia type 1 (EA1). Also called: Episodic ataxia/myokymia syndrome; ATAXIA, EPISODIC, WITH MYOKYMIA; MYOKYMIA WITH PERIODIC ATAXIA; PAROXYSMAL ATAXIA WITH NEUROMYOTONIA, HEREDITARY. Identifiers: Orphanet 37612, Orphanet 972, MedGen C1719788, MONDO:0008047, OMIM 160120.

Submission:

Labcorp Genetics (formerly Invitae), Labcorp
Classification: Uncertain significance for Episodic ataxia type 1. Last evaluated: 2025-11-16. Review status: criteria provided, single submitter. Criteria: Invitae Variant Classification Sherloc (09022015). Collection method: clinical testing. Allele origin: germline.
Comment: This sequence change replaces histidine, which is basic and polar, with glutamine, which is neutral and polar, at codon 429 of the KCNA1 protein (p.His429Gln). This variant is present in population databases (rs756549028, gnomAD 0.003%). This variant has not been reported in the literature in individuals affected with KCNA1-related conditions. ClinVar contains an entry for this variant (Variation ID: 2721927). Invitae Evidence Modeling of protein sequence and biophysical properties (such as structural, functional, and spatial information, amino acid conservation, physicochemical variation, residue mobility, and thermodynamic stability) indicates that this missense variant is not expected to disrupt KCNA1 protein function with a negative predictive value of 80%. In summary, the available evidence is currently insufficient to determine the role of this variant in disease. Therefore, it has been classified as a Variant of Uncertain Significance.

NM_000217.3(KCNA1):c.1287C>A (p.His429Gln)

Gene: KCNA1 (potassium voltage-gated channel subfamily A member 1; plus strand). Cytogenetic location: 12p13.32.
Variant type: single nucleotide variant.
Coding change: c.1287C>A on transcript NM_000217.3 (MANE Select); coding-DNA position 1287, C replaced by A.
Protein change: p.His429Gln; replaces histidine 429 with glutamine.
Molecular consequence: missense variant.
Genome position (GRCh38, 1-based): chr12:4,912,665, C>A. VCF-style: chr12-4912665-C-A. GRCh37 (hg19) VCF-style: chr12-5021831-C-A.
Other names: short protein forms H429Q.
Identifiers: ClinVar variation 2721927 (VCV002721927.3), dbSNP rs756549028, ClinGen allele CA6399484.